The following is an entry in ClinVar:

ClinVar aggregate classification (germline): Conflicting classifications of pathogenicity. Review status: criteria provided, conflicting classifications (1 of 4 stars). 15 submissions from 15 submitters: Uncertain significance (7); Likely benign (8). Last evaluated 2025-11-25.

Conditions:
TTN-related disorder. Also called: TTN-related disorders; TTN-related condition; TTN-related disease.
Cardiovascular phenotype. Identifiers: MedGen CN230736.
Dilated cardiomyopathy 1G (CMD1G). Identifiers: Orphanet 154, MedGen C1858763, MONDO:0011400, OMIM 604145.
Autosomal recessive limb-girdle muscular dystrophy type 2J (LGMDR10). Also called: Limb-girdle muscular dystrophy, type 2J; MUSCULAR DYSTROPHY, LIMB-GIRDLE, AUTOSOMAL RECESSIVE 10. Identifiers: Orphanet 140922, MedGen C1837342, MONDO:0012127, OMIM 608807.
Cardiomyopathy (CMYO). Also called: Cardiomyopathies. Identifiers: Orphanet 167848, MedGen C0878544, MONDO:0004994, HP:0001638. Inheritance: Various modes of inheritance.

Allele frequency attached by ClinVar (database versions not stated): gnomAD exomes 0.00018 and 0.00033; ExAC 0.00020; gnomAD 0.00034 and 0.00036; TOPMed 0.00037; ESP Exome Variant Server 0.00038.
gnomAD v4.1: 548 of 1,612,956 alleles (0.034%); highest among the groups gnomAD compares: African/African-American, 0.052%; 1 homozygote.

Submissions (15):

PreventionGenetics, part of Exact Sciences
Classification: Likely benign for TTN-related condition. Last evaluated: 2025-11-25. Review status: criteria provided, single submitter. Criteria: ACMG Guidelines, 2015. Collection method: clinical testing. Allele origin: germline.
Comment: This variant is classified as likely benign based on ACMG/AMP sequence variant interpretation guidelines (Richards et al. 2015 PMID: 25741868, with internal and published modifications).

Mayo Clinic Laboratories, Mayo Clinic
Classification: Uncertain significance. Last evaluated: 2025-11-12. Review status: criteria provided, single submitter. Criteria: ACMG Guidelines, 2015. Collection method: clinical testing. Allele origin: germline. Observed: 3 variant alleles.
Comment: BS1

Molecular Diagnostic Laboratory for Inherited Cardiovascular Disease, Montreal Heart Institute
Classification: Likely benign. Last evaluated: 2025-04-09. Review status: criteria provided, single submitter. Criteria: ACMG Guidelines, 2015. Collection method: clinical testing. Allele origin: germline. Affected: no.
Comment: BP1

CeGaT Center for Human Genetics Tuebingen
Classification: Likely benign. Last evaluated: 2025-04-01. Review status: criteria provided, single submitter. Criteria: CeGaT Center For Human Genetics Tuebingen Variant Classification Criteria Version 2. Collection method: clinical testing. Allele origin: germline. Affected: yes. Observed: 2 variant alleles.
Comment: TTN: BS1

Revvity Omics, Revvity
Classification: Uncertain significance. Last evaluated: 2024-11-01. Review status: criteria provided, single submitter. Criteria: ACMG Guidelines, 2015. Collection method: clinical testing. Allele origin: germline.

ARUP Laboratories, Molecular Genetics and Genomics, ARUP Laboratories
Classification: Uncertain significance. Last evaluated: 2023-09-28. Review status: criteria provided, single submitter. Criteria: ARUP Molecular Germline Variant Investigation Process 2024. Collection method: clinical testing. Allele origin: germline.
Comment: The TTN c.9488G>A; p.Arg3163His variant (rs149755500; ClinVar Variation ID: 166298) is rare in the general population (<0.2% allele frequency in the Genome Aggregation Database) and has not been reported in the medical literature in association with dilated cardiomyopathy (DCM) or other TTN-related disease. The clinical relevance of rare missense variants in this gene, which are identified on average once per individual sequenced in affected populations (Herman 2012), is not well understood. Yet, evidence suggests that the vast majority of such missense variants do not contribute to the clinical outcome of DCM (Begay 2015). Thus, the clinical significance of the p.Arg3163His variant cannot be determined with certainty.

Blueprint Genetics
Classification: Likely benign. Last evaluated: 2022-12-22. Review status: criteria provided, single submitter. Criteria: ACMG Guidelines, 2015. Collection method: clinical testing. Allele origin: germline.

Women's Health and Genetics/Laboratory Corporation of America, LabCorp
Classification: Uncertain significance. Last evaluated: 2022-11-14. Review status: criteria provided, single submitter. Criteria: LabCorp Variant Classification Summary - May 2015. Collection method: clinical testing. Allele origin: germline.
Comment: Variant summary: TTN c.9488G>A (p.Arg3163His) results in a non-conservative amino acid change located in the I-band region of the encoded protein sequence. Five of five in-silico tools predict a damaging effect of the variant on protein function. The variant allele was found at a frequency of 0.00018 in 250452 control chromosomes. This frequency is not higher than expected for a pathogenic variant in TTN causing Dilated Cardiomyopathy (0.00018 vs 0.00039), allowing no conclusion about variant significance. c.9488G>A has been reported in the literature in a sudden unexpected death case (Scheiper_2018), in a family with muscular dystrophy (Dardas_2020), and in a cohort of individuals not selected for arrhythmia, cardiomyopathy, or a family history of sudden death (Ng_2013). These report(s) do not provide unequivocal conclusions about association of the variant with Dilated Cardiomyopathy. To our knowledge, no experimental evidence demonstrating an impact on protein function has been reported. Six ClinVar submitters (evaluation after 2014) cite this variant as likely benign (n = 3) or uncertain significance (n = 3). Based on the evidence outlined above, the variant was classified as uncertain significance.

GeneDx
Classification: Likely benign. Last evaluated: 2021-01-21. Review status: criteria provided, single submitter. Criteria: GeneDx Variant Classification Process June 2021. Collection method: clinical testing. Allele origin: germline. Affected: yes.
Comment: This variant is associated with the following publications: (PMID: 23861362, 25790293, 30415094)

Ambry Genetics
Classification: Likely benign for Cardiovascular phenotype. Last evaluated: 2019-08-19. Review status: criteria provided, single submitter. Criteria: Ambry Variant Classification Scheme 2023. Collection method: clinical testing. Allele origin: germline.

CHEO Genetics Diagnostic Laboratory, Children's Hospital of Eastern Ontario
Classification: Likely benign for Cardiomyopathy. Last evaluated: 2019-04-01. Review status: criteria provided, single submitter. Criteria: ACMG Guidelines, 2015. Collection method: clinical testing. Allele origin: germline.

Eurofins Ntd Llc (ga)
Classification: Uncertain significance. Last evaluated: 2017-01-11. Review status: criteria provided, single submitter. Criteria: EGL Classification Definitions 2015. Collection method: clinical testing. Allele origin: germline. Observed: 3 variant alleles, 3 heterozygotes.

Labcorp Genetics (formerly Invitae), Labcorp
Classification: Uncertain significance for Dilated cardiomyopathy 1G; Autosomal recessive limb-girdle muscular dystrophy type 2J. Last evaluated: 2016-09-15. Review status: criteria provided, single submitter. Criteria: Invitae Variant Classification Sherloc (09022015). Collection method: clinical testing. Allele origin: germline.

Laboratory for Molecular Medicine, Mass General Brigham Personalized Medicine
Classification: Uncertain significance. Last evaluated: 2015-05-26. Review status: criteria provided, single submitter. Criteria: LMM Criteria. Collection method: clinical testing. Allele origin: germline. Observed: 3 variant alleles.
Comment: It has also been identified in 19/66478 European chromosomes by th e Exome Aggregation Consortium (ExAC; dbSNP rs14 9755500). Computational prediction tools and conservation analysis suggest that this variant may impact the protein, though this information is not predictive e nough to determine pathogenicity. In summary, the clinical significance of the p.Arg3163His variant is uncertain.

Biesecker Lab/Clinical Genomics Section, National Institutes of Health
Classification: Likely benign. Last evaluated: 2013-06-24. Review status: criteria provided, single submitter. Criteria: Ng et al. (Circ Cardiovasc Genet. 2013). Collection method: research. Allele origin: unknown. Observed: 2 variant alleles. Study: ClinSeq.
Comment: The study set was not selected for affection status in relation to any cancer. Pathogenicity categories were based on literature curation. See Pubmed ID:23861362 for details.

Medical sequencing

Literature cited by the submitters: PubMed 23861362 (cited by Women's Health and Genetics/Laboratory Corporation of America, LabCorp and Ambry Genetics); PubMed 31953240 (cited by Women's Health and Genetics/Laboratory Corporation of America, LabCorp); PubMed 30415094 (cited by Women's Health and Genetics/Laboratory Corporation of America, LabCorp).

NM_001267550.2(TTN):c.9488G>A (p.Arg3163His)

Gene: TTN (titin; minus strand). Cytogenetic location: 2q31.2.
Variant type: single nucleotide variant.
Coding change: c.9488G>A on transcript NM_001267550.2 (MANE Select); coding-DNA position 9488, G replaced by A.
Protein change: p.Arg3163His; replaces arginine 3163 with histidine.
Molecular consequence: missense variant.
Genome position (GRCh38, 1-based): chr2:178,766,596, C>T on the plus strand (G>A on the coding strand, the complement: TTN is on the minus strand). VCF-style: chr2-178766596-C-T. GRCh37 (hg19) VCF-style: chr2-179631323-C-T.
Other names: p.R3163H:CGT>CAT; c.9488G>A, p.Arg3163His (NM_133379.5, NM_001256850.1, NM_133378.4); c.9350G>A, p.Arg3117His (NM_133432.3, NM_133437.4, NM_003319.4); short protein forms R3163H, R3117H.
Identifiers: ClinVar variation 166298 (VCV000166298.34), dbSNP rs149755500, ClinGen allele CA179222.